The following is an entry in ClinVar:

NM_022367.4(SEMA4A):c.1918G>A (p.Val640Met)

Gene: SEMA4A (semaphorin 4A; plus strand). Cytogenetic location: 1q22.
Variant type: single nucleotide variant.
Coding change: c.1918G>A on transcript NM_022367.4 (MANE Select); coding-DNA position 1918, G replaced by A.
Protein change: p.Val640Met; replaces valine 640 with methionine.
Molecular consequence: missense variant.
Genome position (GRCh38, 1-based): chr1:156,176,629, G>A. VCF-style: chr1-156176629-G-A. GRCh37 (hg19) VCF-style: chr1-156146420-G-A.
Other names: c.1918G>A, p.Val640Met (NM_001193300.2, NM_001193301.2, NM_001370567.1); c.1522G>A, p.Val508Met (NM_001193302.2); c.1621G>A, p.Val541Met (NM_001370568.1); c.1411G>A, p.Val471Met (NM_001370569.1, NM_001370571.1); short protein forms V471M, V508M, V541M, V640M.
Identifiers: ClinVar variation 1715485 (VCV001715485.6), dbSNP rs1451078558, ClinGen allele CA342812718.

ClinVar aggregate classification (germline): Uncertain significance. Review status: criteria provided, single submitter (1 of 4 stars). 2 submissions from 2 submitters: Uncertain significance (1). 1 of the submissions does not count toward it. Last evaluated 2022-08-07.

Conditions:
Retinal dystrophy. Also called: Inherited retinal dystrophy. Identifiers: Orphanet 71862, MedGen C0854723, MeSH D058499, MONDO:0019118, HP:0000556.

Allele frequency attached by ClinVar (database versions not stated): gnomAD exomes below 0.00001.
gnomAD v4.1: 6 of 1,614,202 alleles (0.00037%); highest among the groups gnomAD compares: Non-Finnish European, 0.00051%; no homozygotes.

Submissions (2):

Labcorp Genetics (formerly Invitae), Labcorp
Classification: Uncertain significance. Last evaluated: 2022-08-07. Review status: criteria provided, single submitter. Criteria: Invitae Variant Classification Sherloc (09022015). Collection method: clinical testing. Allele origin: germline.
Comment: In summary, the available evidence is currently insufficient to determine the role of this variant in disease. Therefore, it has been classified as a Variant of Uncertain Significance. Algorithms developed to predict the effect of missense changes on protein structure and function are either unavailable or do not agree on the potential impact of this missense change (SIFT: "Deleterious"; PolyPhen-2: "Probably Damaging"; Align-GVGD: "Class C0"). This variant has not been reported in the literature in individuals affected with SEMA4A-related conditions. This variant is not present in population databases (gnomAD no frequency). This sequence change replaces valine, which is neutral and non-polar, with methionine, which is neutral and non-polar, at codon 640 of the SEMA4A protein (p.Val640Met).

Institute of Human Genetics, Univ. Regensburg, Univ. Regensburg
Classification: Uncertain significance for Retinal dystrophy. Last evaluated: 2023-01-01. Review status: no assertion criteria provided. Criteria: ACMG Guidelines, 2015. Collection method: clinical testing. Allele origin: germline. Affected: yes. Not counted in ClinVar's aggregate classification.